The following is an entry in ClinVar:

ClinVar aggregate classification (germline): Pathogenic (1 of 4 stars; one submission).

Conditions:
Ellis-van Creveld syndrome (EVC). Also called: MESOECTODERMAL DYSPLASIA; Chondroectodermal dysplasia. Identifiers: Orphanet 289, MedGen C0013903, MONDO:0009162, OMIM 225500.

Submission:

Myriad Genetics, Inc.
Classification: Pathogenic for Ellis-van Creveld syndrome. Last evaluated: 2023-09-27. Review status: criteria provided, single submitter. Criteria: Myriad Autosomal Dominant, Autosomal Recessive and X-Linked Classification Criteria (2023). Collection method: clinical testing. Allele origin: unknown.
Comment: NM_147127.4(EVC2):c.3023delCinsTG(S1008Lfs*60) is expected to be pathogenic in the context of EVC2-related Ellis-van Creveld syndrome. This variant is predicted to lead to an abnormal or absent protein product due to the creation of a premature termination codon in EVC2, a gene where loss-of-function variants are known to be pathogenic. Please note: this variant was assessed in the context of healthy population screening.

NM_147127.5(EVC2):c.3023delinsTG (p.Ser1008fs)

Gene: EVC2 (EvC ciliary complex subunit 2; minus strand). Cytogenetic location: 4p16.2.
Variant type: Indel.
Coding change: c.3023delinsTG on transcript NM_147127.5 (MANE Select); coding-DNA position 3023, C replaced by TG.
Protein change: p.Ser1008fs; shifts the reading frame from serine 1008.
Molecular consequence: frameshift variant.
Genome position (GRCh38, 1-based): chr4:5,584,657, G replaced by CA on the plus strand (C replaced by TG on the coding strand, the reverse complement: EVC2 is on the minus strand). VCF-style: chr4-5584657-G-CA. GRCh37 (hg19) VCF-style: chr4-5586384-G-CA.
Other names: c.2783delinsTG, p.Ser928fs (NM_001166136.2); short protein forms S1008fs, S928fs.
Identifiers: ClinVar variation 5012120 (VCV005012120.1).